The following is an entry in ClinVar:

NM_001429.4(EP300):c.3191C>T (p.Ala1064Val)

Gene: EP300 (EP300 lysine acetyltransferase; plus strand). Cytogenetic location: 22q13.2.
Variant type: single nucleotide variant.
Coding change: c.3191C>T on transcript NM_001429.4 (MANE Select); coding-DNA position 3191, C replaced by T.
Protein change: p.Ala1064Val; replaces alanine 1064 with valine.
Molecular consequence: missense variant.
Genome position (GRCh38, 1-based): chr22:41,155,043, C>T. VCF-style: chr22-41155043-C-T. GRCh37 (hg19) VCF-style: chr22-41551047-C-T.
Other names: c.3113C>T, p.Ala1038Val (NM_001362843.2); short protein forms A1038V, A1064V.
Identifiers: ClinVar variation 2632213 (VCV002632213.2), dbSNP rs1195853173, ClinGen allele CA411693882.

ClinVar aggregate classification (germline): Uncertain significance. Review status: criteria provided, multiple submitters, no conflicts (2 of 4 stars). 2 submissions from 2 submitters: Uncertain significance (2). Last evaluated 2025-09-27.

Conditions:
Rubinstein-Taybi syndrome due to EP300 haploinsufficiency. Also called: EP300-Related Rubinstein-Taybi Syndrome; RUBINSTEIN-TAYBI SYNDROME 2. Identifiers: Orphanet 353284, Orphanet 783, MedGen C3150941, MONDO:0013364, OMIM 613684.
EP300-related disorder. Also called: EP300-related condition; EP300-related disorders.

Allele frequency attached by ClinVar (database versions not stated): gnomAD exomes below 0.00001.

Submissions (2):

Labcorp Genetics (formerly Invitae), Labcorp
Classification: Uncertain significance for Rubinstein-Taybi syndrome due to EP300 haploinsufficiency. Last evaluated: 2025-09-27. Review status: criteria provided, single submitter. Criteria: Invitae Variant Classification Sherloc (09022015). Collection method: clinical testing. Allele origin: germline.
Comment: This sequence change replaces alanine, which is neutral and non-polar, with valine, which is neutral and non-polar, at codon 1064 of the EP300 protein (p.Ala1064Val). This variant is present in population databases (no rsID available, gnomAD 0.0009%). This variant has not been reported in the literature in individuals affected with EP300-related conditions. ClinVar contains an entry for this variant (Variation ID: 2632213). Invitae Evidence Modeling of protein sequence and biophysical properties (such as structural, functional, and spatial information, amino acid conservation, physicochemical variation, residue mobility, and thermodynamic stability) indicates that this missense variant is not expected to disrupt EP300 protein function with a negative predictive value of 80%. In summary, the available evidence is currently insufficient to determine the role of this variant in disease. Therefore, it has been classified as a Variant of Uncertain Significance.

PreventionGenetics, part of Exact Sciences
Classification: Uncertain significance for EP300-related condition. Last evaluated: 2023-07-18. Review status: criteria provided, single submitter. Criteria: ACMG Guidelines, 2015. Collection method: clinical testing. Allele origin: germline.
Comment: The EP300 c.3191C>T variant is predicted to result in the amino acid substitution p.Ala1064Val. To our knowledge, this variant has not been reported in the literature. This variant is reported in 0.00088% of alleles in individuals of European (Non-Finnish) descent in gnomAD. At this time, the clinical significance of this variant is uncertain due to the absence of conclusive functional and genetic evidence.